The following is an entry in ClinVar:

ClinVar aggregate classification (germline): Uncertain significance. Review status: reviewed by expert panel (3 of 4 stars). 5 submissions from 5 submitters: Uncertain significance (1). 4 of the submissions do not count toward it. Last evaluated 2023-11-28.

Conditions:
Mitochondrial disease. Also called: Mitochondrial disorder; Mitochondrial disorders. Identifiers: Orphanet 68380, MedGen C0751651, MeSH D028361, MONDO:0044970.
MELAS syndrome (MELAS). Also called: Juvenile myopathy, encephalopathy, lactic acidosis, stroke. Identifiers: Orphanet 550, MedGen C0162671, MONDO:0010789, OMIM 540000.
Multisystem disorder. Identifiers: MedGen C0559758.
MERRF syndrome (MERRF). Also called: Myoclonus with epilepsy with ragged red fibers; Myoencephalopathy ragged-red fiber disease; MYOCLONIC EPILEPSY ASSOCIATED WITH RAGGED-RED FIBERS. Identifiers: Orphanet 551, MedGen C0162672, MONDO:0010790, OMIM 545000.

Submissions (5):

ClinGen Mitochondrial Disease Nuclear and Mitochondrial  Variant Curation Expert Panel, ClinGen
Classification: Uncertain significance for Mitochondrial disease. Last evaluated: 2023-11-28. Review status: reviewed by expert panel. Criteria: McCormick et al. (Hum Mutat. 2020). Collection method: curation. Allele origin: germline. Inheritance: Mitochondrial inheritance.
Comment: The m.4284G>A variant in MT-TI has been reported in one family to date (PMID: 11782991). The proband had isolated spastic paraparesis and normal muscle biopsy including normal respiratory chain enzyme activities. The variant was present at 55% muscle, 50% in hair, 40% in urine, 30% in skin, 20% in buccal, and 20% in blood. The variant was present at 80% in muscle, 20% in urine, and 30% in blood. The variant was present at 90% in muscle. As this is the only family reported to date, PS4 could not be applied. Therefore, this variant segregated with disease in multiple affected family members and a healthy family member had undetectable levels of the variant (PP1; PMID: 11782991). In silico predictions are inconsistent as MitoTIP suggests this variant is benign (35th percentile) and HmtVAR predicts it to be deleterious (0.55). This variant is present in population databases (Mitomap's 61,168 sequences: AF=0.003%; Helix's 195,983 sequences: AF=0.001%; and gnomAD v3.1.2: AF=0.007% as this is homoplasmic in four individuals and heteroplasmic in two individual). Given the frequency of this variant, it does not meet PM2 criterion. Cybrid studies showed that the homoplasmic mutant clones had decreases in COX activity and oxygen consumption rates compared to controls (PS3_supporting, PMID: 11782991). In summary, this variant meets criteria to be classified as uncertain significance for primary mitochondrial disease inherited in a mitochondrial manner. This classification was approved by the NICHD/NINDS U24 ClinGen Mitochondrial Disease Variant Curation Expert Panel on November 28, 2023. Mitochondrial DNA-specific ACMG/AMP criteria applied (PMID: 32906214): PP1, PS3_supporting.

Mendelics
Classification: Pathogenic for MERRF syndrome. Last evaluated: 2022-05-04. Review status: criteria provided, single submitter. Criteria: Mendelics Assertion Criteria 2019. Collection method: clinical testing. Allele origin: germline. Not counted in ClinVar's aggregate classification.

New York Genome Center
Classification: Uncertain significance. Last evaluated: 2021-05-07. Review status: criteria provided, single submitter. Criteria: NYGC Assertion Criteria 2020. Collection method: clinical testing. Allele origin: inherited. Observed: 1 variant allele. Study: CSER-NYCKidSeq. Not counted in ClinVar's aggregate classification.
Comment: The variant has 0.000106 frequency in the gnomAD(v3) database (56,426 total allele number, 4 homoplasmic alleles, 2 heteroplasmic alleles). The m.4284G>A variant has been reported as likely pathogenic in ClinVar [variation ID: 9604, variant also described in PMID:31965079]. Given the low level of heteroplasmy in detected here, the lack of information on heteroplasmy levels of this variant in different tissues of this proband and its inheritance from a reportedly unaffected mother, the m.4284G>A variant identified in the mitochondrial genome is reported as a variant of uncertain significance.

Wong Mito Lab, Molecular and Human Genetics, Baylor College of Medicine
Classification: Likely pathogenic for MELAS syndrome. Last evaluated: 2019-07-12. Review status: criteria provided, single submitter. Criteria: Modified ACMG Guidelines (Unpublished). Collection method: clinical testing. Allele origin: germline. Not counted in ClinVar's aggregate classification.
Comment: The NC_012920.1:m.4284G>A variant in MT-TI gene is interpreted to be a Likely Pathogenic variant based on the modified ACMG guidelines (unpublished). This variant meets the following evidence codes reported in the guidelines: PM8, PM9, PM10

OMIM
Classification: Pathogenic for MULTISYSTEM DISORDER. Last evaluated: 2002-01-01. Review status: no assertion criteria provided. Collection method: literature only. Allele origin: germline. Not counted in ClinVar's aggregate classification.

Literature cited by the submitters: PubMed 31965079 (cited by Wong Mito Lab, Molecular and Human Genetics, Baylor College of Medicine); PubMed 11782991 (cited by Wong Mito Lab, Molecular and Human Genetics, Baylor College of Medicine and OMIM).

NC_012920.1(MT-TI):m.4284G>A

Gene: MT-TI (mitochondrially encoded tRNA isoleucine; plus strand).
Variant type: single nucleotide variant.
Genome position: chrM-4284-G-A.
Other names: 4284G-A.
Identifiers: ClinVar variation 9604 (VCV000009604.5), dbSNP rs121434468, ClinGen allele CA120571.
Genomic context (GRCh38, chrMT:4,284, plus strand): 5'-CATACCCATTACAATCTCCAGCATTCCCCCTCAAACCTAAGAAATATGTCTGATAAAAGA[G>A]TTACTTTGATAGAGTAAATAATAGGAGCTTAAACCCCCTTATTTCTAGGACTATGAGAAT-3'